The following is an entry in ClinVar:

NM_014679.5(CEP57):c.858G>T (p.Leu286Phe)

Gene: CEP57 (centrosomal protein 57; plus strand). Cytogenetic location: 11q21.
Variant type: single nucleotide variant.
Coding change: c.858G>T on transcript NM_014679.5 (MANE Select); coding-DNA position 858, G replaced by T.
Protein change: p.Leu286Phe; replaces leucine 286 with phenylalanine.
Molecular consequence: missense variant. On other transcripts: intron variant (1).
Genome position (GRCh38, 1-based): chr11:95,822,549, G>T. VCF-style: chr11-95822549-G-T. GRCh37 (hg19) VCF-style: chr11-95555713-G-T.
Other names: c.858G>T (NM_014679.4); c.831G>T, p.Leu277Phe (NM_001243776.2); c.777G>T, p.Leu259Phe (NM_001363604.2); c.807+571G>T (NM_001243777.2); short protein forms L277F, L286F, L259F.
Identifiers: ClinVar variation 1428241 (VCV001428241.9), dbSNP rs1308139720, ClinGen allele CA382405773.

ClinVar aggregate classification (germline): Uncertain significance. Review status: criteria provided, multiple submitters, no conflicts (2 of 4 stars). 2 submissions from 2 submitters: Uncertain significance (2). Last evaluated 2025-09-27.

Conditions:
Inborn genetic diseases. Identifiers: MedGen C0950123, MeSH D030342.
Mosaic variegated aneuploidy syndrome 2 (MVA2). Identifiers: Orphanet 1052, MedGen C3279843, MONDO:0013582, OMIM 614114.

Allele frequency attached by ClinVar (database versions not stated): gnomAD exomes below 0.00001.
gnomAD v4.1: 2 of 1,613,718 alleles (0.00012%); highest among the groups gnomAD compares: Admixed American, 0.0033%; no homozygotes.

Submissions (2):

Labcorp Genetics (formerly Invitae), Labcorp
Classification: Uncertain significance for Mosaic variegated aneuploidy syndrome 2. Last evaluated: 2025-09-27. Review status: criteria provided, single submitter. Criteria: Invitae Variant Classification Sherloc (09022015). Collection method: clinical testing. Allele origin: germline.
Comment: This sequence change replaces leucine, which is neutral and non-polar, with phenylalanine, which is neutral and non-polar, at codon 286 of the CEP57 protein (p.Leu286Phe). The frequency data for this variant in the population databases is considered unreliable, as metrics indicate poor data quality at this position in the gnomAD database. This variant has not been reported in the literature in individuals affected with CEP57-related conditions. ClinVar contains an entry for this variant (Variation ID: 1428241). Invitae Evidence Modeling of protein sequence and biophysical properties (such as structural, functional, and spatial information, amino acid conservation, physicochemical variation, residue mobility, and thermodynamic stability) indicates that this missense variant is not expected to disrupt CEP57 protein function with a negative predictive value of 80%. In summary, the available evidence is currently insufficient to determine the role of this variant in disease. Therefore, it has been classified as a Variant of Uncertain Significance.

Ambry Genetics
Classification: Uncertain significance for Inborn genetic diseases. Last evaluated: 2024-12-19. Review status: criteria provided, single submitter. Criteria: Ambry Variant Classification Scheme 2023. Collection method: clinical testing. Allele origin: germline.
Comment: The p.L286F variant (also known as c.858G>T), located in coding exon 8 of the CEP57 gene, results from a G to T substitution at nucleotide position 858. The leucine at codon 286 is replaced by phenylalanine, an amino acid with highly similar properties. This amino acid position is conserved. In addition, this alteration is predicted to be tolerated by in silico analysis. Based on the available evidence, the clinical significance of this variant remains unclear.